The following is an entry in ClinVar:

NM_000719.7(CACNA1C):c.3248A>G (p.His1083Arg)

Gene: CACNA1C (calcium voltage-gated channel subunit alpha1 C; plus strand). Cytogenetic location: 12p13.33.
Variant type: single nucleotide variant.
Coding change: c.3248A>G on transcript NM_000719.7 (MANE Select); coding-DNA position 3248, A replaced by G.
Protein change: p.His1083Arg; replaces histidine 1083 with arginine.
Molecular consequence: missense variant.
Genome position (GRCh38, 1-based): chr12:2,607,022, A>G. VCF-style: chr12-2607022-A-G. GRCh37 (hg19) VCF-style: chr12-2716188-A-G.
Other names: c.3308A>G, p.His1103Arg (NM_001129827.2, NM_001129832.2, NM_199460.4); c.3248A>G, p.His1083Arg (NM_001129829.2, NM_001129830.3, NM_001129831.2 and 15 more transcripts); c.3239A>G, p.His1080Arg (NM_001129844.2); short protein forms H1080R, H1083R, H1103R.
Identifiers: ClinVar variation 2772445 (VCV002772445.3), dbSNP rs2518328731, ClinGen allele CA383374771.

ClinVar aggregate classification (germline): Uncertain significance (1 of 4 stars; one submission).

Conditions:
Long QT syndrome (LQTS). Identifiers: MedGen C0023976, MeSH D008133, MONDO:0002442. Disease mechanism: loss of function. Inheritance: Various modes of inheritance.

Submission:

Labcorp Genetics (formerly Invitae), Labcorp
Classification: Uncertain significance for Long QT syndrome. Last evaluated: 2023-10-28. Review status: criteria provided, single submitter. Criteria: Invitae Variant Classification Sherloc (09022015). Collection method: clinical testing. Allele origin: germline.
Comment: This sequence change replaces histidine, which is basic and polar, with arginine, which is basic and polar, at codon 1083 of the CACNA1C protein (p.His1083Arg). This variant is not present in population databases (gnomAD no frequency). This variant has not been reported in the literature in individuals affected with CACNA1C-related conditions. Advanced modeling of protein sequence and biophysical properties (such as structural, functional, and spatial information, amino acid conservation, physicochemical variation, residue mobility, and thermodynamic stability) performed at Invitae indicates that this missense variant is not expected to disrupt CACNA1C protein function with a negative predictive value of 95%. In summary, the available evidence is currently insufficient to determine the role of this variant in disease. Therefore, it has been classified as a Variant of Uncertain Significance.